The following is an entry in ClinVar:

NM_001848.3(COL6A1):c.1580A>G (p.Tyr527Cys)

Gene: COL6A1 (collagen type VI alpha 1 chain; plus strand). Cytogenetic location: 21q22.3.
Variant type: single nucleotide variant.
Coding change: c.1580A>G on transcript NM_001848.3 (MANE Select); coding-DNA position 1580, A replaced by G.
Protein change: p.Tyr527Cys; replaces tyrosine 527 with cysteine.
Molecular consequence: missense variant.
Genome position (GRCh38, 1-based): chr21:45,998,402, A>G. VCF-style: chr21-45998402-A-G. GRCh37 (hg19) VCF-style: chr21-47418316-A-G.
Other names: short protein forms Y527C.
Identifiers: ClinVar variation 937860 (VCV000937860.13), dbSNP rs2077819024, ClinGen allele CA410530219.

ClinVar aggregate classification (germline): Uncertain significance. Review status: criteria provided, multiple submitters, no conflicts (2 of 4 stars). 3 submissions from 3 submitters: Uncertain significance (3). Last evaluated 2025-05-16.

Conditions:
Inborn genetic diseases. Identifiers: MedGen C0950123, MeSH D030342.
Bethlem myopathy 1A. Also called: Bethlem Muscular Dystrophy; MYOPATHY, BENIGN CONGENITAL, WITH CONTRACTURES; Bethlem myopathy 1. Identifiers: Orphanet 610, MedGen CN029274, MONDO:0024530, OMIM 158810.

Allele frequency attached by ClinVar (database versions not stated): gnomAD 0.00001; gnomAD exomes 0.00001; TOPMed 0.00001.
gnomAD v4.1: 9 of 1,613,082 alleles (0.00056%); highest among the groups gnomAD compares: African/African-American, 0.0013%; no homozygotes.

Submissions (3):

Ambry Genetics
Classification: Uncertain significance for Inborn genetic diseases. Last evaluated: 2025-05-16. Review status: criteria provided, single submitter. Criteria: Ambry Variant Classification Scheme 2023. Collection method: clinical testing. Allele origin: germline.

Labcorp Genetics (formerly Invitae), Labcorp
Classification: Uncertain significance for Bethlem myopathy 1A. Last evaluated: 2025-05-11. Review status: criteria provided, single submitter. Criteria: Invitae Variant Classification Sherloc (09022015). Collection method: clinical testing. Allele origin: germline.
Comment: This sequence change replaces tyrosine, which is neutral and polar, with cysteine, which is neutral and slightly polar, at codon 527 of the COL6A1 protein (p.Tyr527Cys). This variant is not present in population databases (gnomAD no frequency). This variant has not been reported in the literature in individuals affected with COL6A1-related conditions. ClinVar contains an entry for this variant (Variation ID: 937860). Invitae Evidence Modeling of protein sequence and biophysical properties (such as structural, functional, and spatial information, amino acid conservation, physicochemical variation, residue mobility, and thermodynamic stability) has been performed for this missense variant. However, the output from this modeling did not meet the statistical confidence thresholds required to predict the impact of this variant on COL6A1 protein function. In summary, the available evidence is currently insufficient to determine the role of this variant in disease. Therefore, it has been classified as a Variant of Uncertain Significance.

Revvity Omics, Revvity
Classification: Uncertain significance. Last evaluated: 2024-09-16. Review status: criteria provided, single submitter. Criteria: ACMG Guidelines, 2015. Collection method: clinical testing. Allele origin: germline.